The following is an entry in ClinVar:

ClinVar aggregate classification (germline): Uncertain significance. Review status: criteria provided, multiple submitters, no conflicts (2 of 4 stars). 4 submissions from 4 submitters: Uncertain significance (3). 1 of the submissions does not count toward it. Last evaluated 2026-01-05.

Conditions:
Fetal akinesia deformation sequence 1 (FADS1). Also called: Fetal akinesia sequence; Pena-Shokeir syndrome type I. Identifiers: Orphanet 994, MedGen C1276035, MONDO:0100101, OMIM 208150, HP:0001989.
Congenital myasthenic syndrome 11. Also called: MYASTHENIC SYNDROME, CONGENITAL, Ie; Myasthenic syndrome, congenital, 11, associated with acetylcholine receptor deficiency. Identifiers: Orphanet 590, MedGen C4225367, MONDO:0014588, OMIM 616326.
Congenital myasthenic syndrome (CMS). Also called: Congenital Myasthenic Syndromes. Identifiers: Orphanet 590, MedGen C0751882, MeSH D020294, MONDO:0018940.

Allele frequency attached by ClinVar (database versions not stated): gnomAD 0.00002 and 0.00005; gnomAD exomes 0.00002 and 0.00003; ExAC 0.00004; TOPMed 0.00005; 1000 Genomes Project 30x 0.00031; 1000 Genomes Project 0.00040.

Submissions (4):

Women's Health and Genetics/Laboratory Corporation of America, LabCorp
Classification: Uncertain significance. Last evaluated: 2026-01-05. Review status: criteria provided, single submitter. Criteria: LabCorp Variant Classification Summary - May 2015. Collection method: clinical testing. Allele origin: germline.
Comment: Variant summary: RAPSN c.475G>A (p.Ala159Thr) results in a non-conservative amino acid change in the encoded protein sequence. Algorithms developed to predict the effect of missense changes on protein structure and function are either unavailable or do not agree on the potential impact of this missense change. The variant allele was found at a frequency of 2.4e-05 in 248554 control chromosomes. The available data on variant occurrences in the general population are insufficient to allow any conclusion about variant significance. c.475G>A has been observed in individual(s) affected with Congenital Myasthenic Syndrome (Wang_2020). These report(s) do not provide unequivocal conclusions about association of the variant with Congenital Myasthenic Syndrome. To our knowledge, no experimental evidence demonstrating an impact on protein function has been reported. The following publication have been ascertained in the context of this evaluation (PMID: 31965297). ClinVar contains an entry for this variant (Variation ID: 955518). Based on the evidence outlined above, the variant was classified as uncertain significance.

Labcorp Genetics (formerly Invitae), Labcorp
Classification: Uncertain significance for Congenital myasthenic syndrome 11; Fetal akinesia deformation sequence 1. Last evaluated: 2022-08-15. Review status: criteria provided, single submitter. Criteria: Invitae Variant Classification Sherloc (09022015). Collection method: clinical testing. Allele origin: germline.
Comment: This sequence change replaces alanine, which is neutral and non-polar, with threonine, which is neutral and polar, at codon 159 of the RAPSN protein (p.Ala159Thr). The frequency data for this variant in the population databases is considered unreliable, as metrics indicate poor data quality at this position in the gnomAD database. This missense change has been observed in individual(s) with clinical features of RAPSN-related conditions (PMID: 31965297). ClinVar contains an entry for this variant (Variation ID: 955518). Algorithms developed to predict the effect of missense changes on protein structure and function output the following: SIFT: "Tolerated"; PolyPhen-2: "Benign"; Align-GVGD: "Class C0". The threonine amino acid residue is found in multiple mammalian species, which suggests that this missense change does not adversely affect protein function. In summary, the available evidence is currently insufficient to determine the role of this variant in disease. Therefore, it has been classified as a Variant of Uncertain Significance.

Revvity Omics, Revvity
Classification: Uncertain significance. Last evaluated: 2021-05-11. Review status: criteria provided, single submitter. Criteria: ACMG Guidelines, 2015. Collection method: clinical testing. Allele origin: germline.

Natera, Inc.
Classification: Uncertain significance for Congenital myasthenic syndrome. Last evaluated: 2020-02-07. Review status: no assertion criteria provided. Collection method: clinical testing. Allele origin: germline. Not counted in ClinVar's aggregate classification.

Literature cited by the submitters: PubMed 31965297 (cited by Women's Health and Genetics/Laboratory Corporation of America, LabCorp and Labcorp Genetics (formerly Invitae), Labcorp).

NM_005055.5(RAPSN):c.475G>A (p.Ala159Thr)

Gene: RAPSN (receptor associated protein of the synapse; minus strand). Cytogenetic location: 11p11.2.
Variant type: single nucleotide variant.
Coding change: c.475G>A on transcript NM_005055.5 (MANE Select); coding-DNA position 475, G replaced by A.
Protein change: p.Ala159Thr; replaces alanine 159 with threonine.
Molecular consequence: missense variant.
Genome position (GRCh38, 1-based): chr11:47,447,868, C>T on the plus strand (G>A on the coding strand, the complement: RAPSN is on the minus strand). VCF-style: chr11-47447868-C-T. GRCh37 (hg19) VCF-style: chr11-47469420-C-T.
Other names: c.475G>A, p.Ala159Thr (NM_032645.5); short protein forms A159T.
Identifiers: ClinVar variation 955518 (VCV000955518.7), dbSNP rs199506866, ClinGen allele CA5976737.